The following is an entry in ClinVar:

ClinVar aggregate classification (germline): Uncertain significance. Review status: criteria provided, multiple submitters, no conflicts (2 of 4 stars). 2 submissions from 2 submitters: Uncertain significance (2). Last evaluated 2023-12-05.

Conditions:
Hereditary cancer-predisposing syndrome. Also called: Neoplastic Syndromes, Hereditary; Hereditary Cancer Syndrome; Tumor predisposition; Hereditary neoplastic syndrome. Identifiers: Orphanet 140162, MedGen C0027672, MeSH D009386, MONDO:0015356.
Familial cancer of breast. Also called: hereditary breast carcinoma; BREAST CANCER, FAMILIAL; Hereditary breast cancer. Identifiers: Orphanet 227535, MedGen C0346153, MONDO:0016419, OMIM 114480. Disease mechanism: loss of function.

Submissions (2):

Color Diagnostics, LLC DBA Color Health
Classification: Uncertain significance for Hereditary cancer-predisposing syndrome. Last evaluated: 2023-12-05. Review status: criteria provided, single submitter. Criteria: ACMG Guidelines, 2015. Collection method: clinical testing. Allele origin: germline.
Comment: This missense variant replaces glutamic acid with glycine at codon 531 of the CHEK2 protein. Computational prediction tools and conservation analyses suggest that this variant may not impact the protein function. Computational splicing tools suggest that this variant may not impact RNA splicing. To our knowledge, functional assays have not been performed for this variant nor has this variant been reported in individuals affected with hereditary cancer in the literature. This variant has not been identified in the general population by the Genome Aggregation Database (gnomAD). Available evidence is insufficient to determine the role of this variant in disease conclusively. Therefore, this variant is classified as a Variant of Uncertain Significance.

Labcorp Genetics (formerly Invitae), Labcorp
Classification: Uncertain significance for Familial cancer of breast. Last evaluated: 2021-01-15. Review status: criteria provided, single submitter. Criteria: Invitae Variant Classification Sherloc (09022015). Collection method: clinical testing. Allele origin: germline.
Comment: This variant is not present in population databases (ExAC no frequency). This sequence change replaces glutamic acid with glycine at codon 531 of the CHEK2 protein (p.Glu531Gly). The glutamic acid residue is weakly conserved and there is a moderate physicochemical difference between glutamic acid and glycine. This variant has not been reported in the literature in individuals with CHEK2-related disease. Algorithms developed to predict the effect of missense changes on protein structure and function output the following: SIFT: "Tolerated"; PolyPhen-2: "Benign"; Align-GVGD: "Class C0". The glycine amino acid residue is found in multiple mammalian species, suggesting that this missense change does not adversely affect protein function. These predictions have not been confirmed by published functional studies and their clinical significance is uncertain. In summary, the available evidence is currently insufficient to determine the role of this variant in disease. Therefore, it has been classified as a Variant of Uncertain Significance.

NM_007194.4(CHEK2):c.1592A>G (p.Glu531Gly)

Gene: CHEK2 (checkpoint kinase 2; minus strand). Cytogenetic location: 22q12.1.
Variant type: single nucleotide variant.
Coding change: c.1592A>G on transcript NM_007194.4 (MANE Select); coding-DNA position 1592, A replaced by G.
Protein change: p.Glu531Gly; replaces glutamic acid 531 with glycine.
Molecular consequence: missense variant.
Genome position (GRCh38, 1-based): chr22:28,687,937, T>C on the plus strand (A>G on the coding strand, the complement: CHEK2 is on the minus strand). VCF-style: chr22-28687937-T-C. GRCh37 (hg19) VCF-style: chr22-29083925-T-C.
Other names: c.1721A>G, p.Glu574Gly (NM_001005735.3); c.929A>G, p.Glu310Gly (NM_001257387.3); c.1391A>G, p.Glu464Gly (NM_001349956.3); c.1505A>G, p.Glu502Gly (NM_145862.3); short protein forms E531G, E464G, E574G, E310G, E502G.
Identifiers: ClinVar variation 573086 (VCV000573086.15), dbSNP rs1569102183, ClinGen allele CA411091150.